The following is an entry in ClinVar:

NM_002435.3(MPI):c.43_44insCTGGGGGA (p.Gln15fs)

Gene: MPI (mannose phosphate isomerase; plus strand). Cytogenetic location: 15q24.1.
Variant type: Insertion.
Coding change: c.43_44insCTGGGGGA on transcript NM_002435.3 (MANE Select); coding-DNA positions 43 to 44, CTGGGGGA inserted.
Protein change: p.Gln15fs; shifts the reading frame from glutamine 15.
Molecular consequence: frameshift variant. On other transcripts: 5 prime UTR variant (1), intron variant (1).
Genome position: GRCh38 VCF-style: chr15-74890553-C-CCTGGGGGA. GRCh37 (hg19) VCF-style: chr15-75182894-C-CCTGGGGGA.
Other names: c.43_44insCTGGGGGA, p.Gln15fs (NM_001289155.2, NM_001289157.2); c.-18_-17insCTGGGGGA (NM_001330372.2); c.-7+464_-7+465insCTGGGGGA (NM_001289156.2); short protein forms Q15fs.
Identifiers: ClinVar variation 2744685 (VCV002744685.3), dbSNP rs2505811185, ClinGen allele CA2697549213.

ClinVar aggregate classification (germline): Pathogenic (1 of 4 stars; one submission).

Conditions:
MPI-congenital disorder of glycosylation. Also called: MPI DEFICIENCY; CONGENITAL DISORDER OF GLYCOSYLATION, TYPE Ib; MANNOSEPHOSPHATE ISOMERASE DEFICIENCY; PROTEIN-LOSING ENTEROPATHY-HEPATIC FIBROSIS SYNDROME; CDG Ib; MPI-CDG. Identifiers: Orphanet 79319, MedGen C1865145, MONDO:0011257, OMIM 602579.

Submission:

Labcorp Genetics (formerly Invitae), Labcorp
Classification: Pathogenic for MPI-congenital disorder of glycosylation. Last evaluated: 2023-07-18. Review status: criteria provided, single submitter. Criteria: Invitae Variant Classification Sherloc (09022015). Collection method: clinical testing. Allele origin: germline.
Comment: This sequence change creates a premature translational stop signal (p.Gln15Profs*60) in the MPI gene. It is expected to result in an absent or disrupted protein product. Loss-of-function variants in MPI are known to be pathogenic (PMID: 19862844). This variant is not present in population databases (gnomAD no frequency). This variant has not been reported in the literature in individuals affected with MPI-related conditions. Algorithms developed to predict the effect of sequence changes on RNA splicing suggest that this variant may disrupt the consensus splice site. For these reasons, this variant has been classified as Pathogenic.

Literature cited by the submitters: PubMed 19862844.